The following is an entry in ClinVar:

ClinVar aggregate classification (germline): Conflicting classifications of pathogenicity. Review status: criteria provided, conflicting classifications (1 of 4 stars). 4 submissions from 4 submitters: Likely pathogenic (1); Uncertain significance (3). Last evaluated 2025-08-18.

Conditions:
Hereditary breast ovarian cancer syndrome. Also called: Hereditary breast and ovarian cancer; Hereditary breast and ovarian cancer syndrome (HBOC); Breast and ovarian cancer; Hereditary breast and/or ovarian cancer syndrome; BRCA1- and BRCA2-Associated Hereditary Breast and Ovarian Cancer; Hereditary breast and ovarian cancer syndrome. Identifiers: Orphanet 145, MedGen C0677776, MeSH D061325, MONDO:0003582. Disease mechanism: loss of function.
Breast-ovarian cancer, familial, susceptibility to, 1 (BROVCA1). Also called: BRCA1 Hereditary Breast and Ovarian Cancer; OVARIAN CANCER, SUSCEPTIBILITY TO. Identifiers: Orphanet 145, MedGen C2676676, MONDO:0011450, OMIM 604370. Disease mechanism: loss of function.
Hereditary cancer-predisposing syndrome. Also called: Neoplastic Syndromes, Hereditary; Tumor predisposition; Hereditary Cancer Syndrome; Hereditary neoplastic syndrome. Identifiers: Orphanet 140162, MedGen C0027672, MeSH D009386, MONDO:0015356.

gnomAD v4.1: 2 of 1,613,898 alleles (0.00012%); highest among the groups gnomAD compares: South Asian, 0.0011%; no homozygotes.

Submissions (5):

Labcorp Genetics (formerly Invitae), Labcorp
Classification: Uncertain significance for Hereditary breast ovarian cancer syndrome. Last evaluated: 2025-08-18. Review status: criteria provided, single submitter. Criteria: Invitae Variant Classification Sherloc (09022015). Collection method: clinical testing. Allele origin: germline.
Comment: This sequence change replaces alanine, which is neutral and non-polar, with glycine, which is neutral and non-polar, at codon 1708 of the BRCA1 protein (p.Ala1708Gly). This variant is present in population databases (no rsID available, gnomAD 0.003%). This missense change has been observed in individual(s) with breast and/or ovarian cancer (PMID: 29470806). ClinVar contains an entry for this variant (Variation ID: 867673). Invitae Evidence Modeling incorporating data from in vitro experimental studies (PMID: 30209399) indicates that this missense variant is expected to disrupt BRCA1 function with a positive predictive value of 95%. Experimental studies have shown that this missense change affects BRCA1 function (PMID: 30209399). Studies have shown that this missense change is associated with inconclusive levels of altered splicing (internal data). In summary, the available evidence is currently insufficient to determine the role of this variant in disease. Therefore, it has been classified as a Variant of Uncertain Significance.

Ambry Genetics
Classification: Likely pathogenic for Hereditary cancer-predisposing syndrome. Last evaluated: 2025-02-12. Review status: criteria provided, single submitter. Criteria: Ambry Variant Classification Scheme 2023. Collection method: clinical testing. Allele origin: germline.
Comment: The p.A1708G variant (also known as c.5123C>G), located in coding exon 16 of the BRCA1 gene, results from a C to G substitution at nucleotide position 5123. The alanine at codon 1708 is replaced by glycine, an amino acid with similar properties. One functional study found that this nucleotide substitution is non-functional in a high throughput genome editing haploid cell survival assay (Findlay GM et al. Nature, 2018 Oct;562:217-222). This nucleotide position is highly conserved in available vertebrate species. This amino acid position is highly conserved in available vertebrate species. In silico splice site analysis predicts that this alteration may weaken the native splice donor site; however, direct evidence is insufficient at this time (Ambry internal data). In addition, this alteration is predicted to be deleterious by in silico analysis. Based on the majority of available evidence to date, this variant is likely to be pathogenic.

Blueprint Genetics
Classification: Uncertain significance. Last evaluated: 2024-10-02. Review status: criteria provided, single submitter. Criteria: ACMG Guidelines, 2015. Collection method: clinical testing. Allele origin: germline.

Baylor Genetics
Classification: Uncertain significance for Breast-ovarian cancer, familial, susceptibility to, 1. Last evaluated: 2023-12-08. Review status: criteria provided, single submitter. Criteria: ACMG Guidelines, 2015. Collection method: clinical testing. Allele origin: unknown.

Brotman Baty Institute, University of Washington
No classification provided (evidence only). Condition: Breast-ovarian cancer, familial 1. Review status: no classification provided. Collection method: in vitro. Allele origin: not applicable. Functional consequence: functionally_abnormal. Not counted in ClinVar's aggregate classification.
ClinVar note: "not provided" was previously submitted as the classification for the variant. However, the classification appeared to be based only on an observation of functional data so it was converted to no classification on 2025-07-30.

Literature cited by the submitters: PubMed 29470806 (cited by Labcorp Genetics (formerly Invitae), Labcorp); PubMed 30209399 (cited by Labcorp Genetics (formerly Invitae), Labcorp and Ambry Genetics).

NM_007294.4(BRCA1):c.5123C>G (p.Ala1708Gly)

Gene: BRCA1 (BRCA1 DNA repair associated; minus strand). Cytogenetic location: 17q21.31.
Variant type: single nucleotide variant.
Coding change: c.5123C>G on transcript NM_007294.4 (MANE Select); coding-DNA position 5123, C replaced by G.
Protein change: p.Ala1708Gly; replaces alanine 1708 with glycine.
Molecular consequence: missense variant. On other transcripts: non-coding transcript variant (1).
Genome position (GRCh38, 1-based): chr17:43,063,903, G>C on the plus strand (C>G on the coding strand, the complement: BRCA1 is on the minus strand). VCF-style: chr17-43063903-G-C. GRCh37 (hg19) VCF-style: chr17-41215920-G-C.
Other names: c.5000C>G, p.Ala1667Gly (NM_001407665.1, NM_001407919.1, NM_001407937.1 and 6 more transcripts); c.4997C>G, p.Ala1666Gly (NM_001407676.1, NM_001407677.1, NM_001407678.1 and 10 more transcripts); c.4994C>G, p.Ala1665Gly (NM_001407681.1, NM_001407682.1, NM_001407683.1 and 6 more transcripts); c.5123C>G, p.Ala1708Gly (NM_001407684.1, NM_001407593.1, NM_001407594.1 and 7 more transcripts); c.4982C>G, p.Ala1661Gly (NM_001407696.1, NM_001407697.1, NM_001407698.1 and 13 more transcripts); c.4979C>G, p.Ala1660Gly (NM_001407740.1, NM_001407741.1, NM_001407742.1 and 21 more transcripts); c.4976C>G, p.Ala1659Gly (NM_001407845.1, NM_001407846.1, NM_001407847.1 and 12 more transcripts); c.4913C>G, p.Ala1638Gly (NM_001407882.1, NM_001407884.1, NM_001407885.1 and 5 more transcripts); and 71 more; short protein forms A1661G, A604G, A1729G, A1708G, A1411G, A1539G, A1581G, A1595G.
Identifiers: ClinVar variation 867673 (VCV000867673.14), dbSNP rs28897696, ClinGen allele CA10591290.